The following is an entry in ClinVar:

ClinVar aggregate classification (germline): Uncertain significance (0 of 4 stars; one submission).

Conditions:
Wolff-Parkinson-White pattern. Also called: WPW SYNDROME; Auriculoventricular accessory pathway syndrome; False bundle branch block syndrome; Anomalous ventricular excitation syndrome. Identifiers: MedGen C0043202, MONDO:0008685, OMIM 194200, HP:0001716.

Allele frequency attached by ClinVar (database versions not stated): 1000 Genomes Project below 0.00001; ESP Exome Variant Server 0.00008; ExAC 0.00017; gnomAD exomes 0.00019; TOPMed 0.00019; 1000 Genomes Project 30x 0.00031.

Submission:

Lupski Lab, Baylor-Hopkins CMG, Baylor College of Medicine
Classification: Uncertain significance for Wolff-Parkinson-White pattern. Last evaluated: 2017-07-14. Review status: no assertion criteria provided. Collection method: research. Allele origin: unknown. Affected: yes. Observed: 1 variant allele. Study: Candidate_variants_in_patients_with_ Wolff-Parkinson-White Syndrome.

NM_022450.5(RHBDF1):c.1613C>T (p.Ala538Val)

Gene: RHBDF1 (rhomboid 5 homolog 1; minus strand). Cytogenetic location: 16p13.3.
Variant type: single nucleotide variant.
Coding change: c.1613C>T on transcript NM_022450.5 (MANE Select); coding-DNA position 1613, C replaced by T.
Protein change: p.Ala538Val; replaces alanine 538 with valine.
Molecular consequence: missense variant.
Genome position (GRCh38, 1-based): chr16:60,484, G>A on the plus strand (C>T on the coding strand, the complement: RHBDF1 is on the minus strand). VCF-style: chr16-60484-G-A. GRCh37 (hg19) VCF-style: chr16-110482-G-A.
Other names: short protein forms A538V.
Identifiers: ClinVar variation 487611 (VCV000487611.1), dbSNP rs201706583, ClinGen allele CA7768161.